The following is an entry in ClinVar:

ClinVar aggregate classification (germline): Uncertain significance (1 of 4 stars; one submission).

gnomAD v4.1: 3 of 1,211,502 alleles (0.00025%); highest among the groups gnomAD compares: South Asian, 0.0035%; no homozygotes.

Submission:

Labcorp Genetics (formerly Invitae), Labcorp
Classification: Uncertain significance. Last evaluated: 2024-10-07. Review status: criteria provided, single submitter. Criteria: Invitae Variant Classification Sherloc (09022015). Collection method: clinical testing. Allele origin: germline.
Comment: This sequence change replaces alanine, which is neutral and non-polar, with proline, which is neutral and non-polar, at codon 887 of the DRP2 protein (p.Ala887Pro). This variant is not present in population databases (gnomAD no frequency). This variant has not been reported in the literature in individuals affected with DRP2-related conditions. An algorithm developed to predict the effect of missense changes on protein structure and function (PolyPhen-2) suggests that this variant is likely to be tolerated. In summary, the available evidence is currently insufficient to determine the role of this variant in disease. Therefore, it has been classified as a Variant of Uncertain Significance.

NM_001939.3(DRP2):c.2659G>C (p.Ala887Pro)

Gene: DRP2 (dystrophin related protein 2; plus strand). Cytogenetic location: Xq22.1.
Variant type: single nucleotide variant.
Coding change: c.2659G>C on transcript NM_001939.3 (MANE Select); coding-DNA position 2659, G replaced by C.
Protein change: p.Ala887Pro; replaces alanine 887 with proline.
Molecular consequence: missense variant.
Genome position (GRCh38, 1-based): chrX:101,260,079, G>C. VCF-style: chrX-101260079-G-C. GRCh37 (hg19) VCF-style: chrX-100515068-G-C.
Other names: c.2425G>C, p.Ala809Pro (NM_001171184.2); short protein forms A887P, A809P.
Identifiers: ClinVar variation 3722373 (VCV003722373.2).